The following is an entry in ClinVar:

ClinVar aggregate classification (germline): Likely benign. Review status: criteria provided, single submitter (1 of 4 stars). 2 submissions from 2 submitters: Likely benign (1). 1 of the submissions does not count toward it. Last evaluated 2025-09-30.

Allele frequency attached by ClinVar (database versions not stated): ESP Exome Variant Server 0.00031; gnomAD 0.00045; 1000 Genomes Project 30x 0.00031; ExAC 0.00038; TOPMed 0.00051; gnomAD exomes 0.00090 and 0.00038.
gnomAD v4.1: 1,399 of 1,613,862 alleles (0.087%); highest among the groups gnomAD compares: Non-Finnish European, 0.11%; no homozygotes.

Submissions (2):

Dasa
Classification: Likely benign. Last evaluated: 2025-09-30. Review status: criteria provided, single submitter. Criteria: DASA Assertion Criteria. Collection method: clinical testing. Allele origin: germline.
Comment: NM_021964.3(ZNF148):c.1871A>G (p.Asn624Ser) is a missense variant that results in the substitution of asparagine with serine. Population frequency is inconsistent with a disease-causing role for this variant. Computational prediction algorithms are consistent with a benign effect. Therefore, based on the currently available evidence, this variant is classified as likely benign.

Department of Pathology and Laboratory Medicine, Sinai Health System
Classification: Likely benign. Review status: no assertion criteria provided. Collection method: clinical testing. Allele origin: unknown. Affected: yes. Study: The Canadian Open Genetics Repository (COGR). Not counted in ClinVar's aggregate classification.
Comment: The ZNF148 p.Asn624Ser variant was not identified in the literature nor was it identified in ClinVar or LOVD 3.0. The variant was identified in dbSNP (ID: rs142424101) and in control databases in 109 of 281832 chromosomes at a frequency of 0.0003868 increasing the likelihood this could be a low frequency benign variant (Genome Aggregation Database March 6, 2019, v2.1.1). The variant was observed in the following populations: European (non-Finnish) in 102 of 128294 chromosomes (freq: 0.000795), Other in 1 of 7198 chromosomes (freq: 0.000139), African in 3 of 24904 chromosomes (freq: 0.000121), Latino in 2 of 35406 chromosomes (freq: 0.000056) and South Asian in 1 of 30614 chromosomes (freq: 0.000033), but was not observed in the Ashkenazi Jewish, East Asian, or European (Finnish) populations. The p.Asn624 residue is conserved in mammals but not in more distantly related organisms however computational analyses (PolyPhen-2, SIFT, AlignGVGD, BLOSUM, MutationTaster) do not suggest a high likelihood of impact to the protein; this information is not predictive enough to rule out pathogenicity. The variant occurs outside of the splicing consensus sequence and 1 of 4 in silico or computational prediction software programs (SpliceSiteFinder, MaxEntScan, NNSPLICE, GeneSplicer) predict a greater than 10% difference in splicing; this is not very predictive of pathogenicity. In summary, based on the above information the clinical significance of this variant cannot be determined with certainty at this time although we would lean towards a more benign role for this variant. This variant is classified as likely benign.

NM_021964.3(ZNF148):c.1871A>G (p.Asn624Ser)

Genes: ZNF148 (zinc finger protein 148; minus strand), LOC126806798 (P300/CBP strongly-dependent group 1 enhancer GRCh37_chr3:124950809-124952008; plus strand). Cytogenetic location: 3q21.2.
Variant type: single nucleotide variant.
Coding change: c.1871A>G on transcript NM_021964.3 (MANE Select); coding-DNA position 1871, A replaced by G.
Protein change: p.Asn624Ser; replaces asparagine 624 with serine.
Molecular consequence: missense variant.
Genome position (GRCh38, 1-based): chr3:125,232,855, T>C on the plus strand (A>G on the coding strand, the complement: ZNF148 is on the minus strand). VCF-style: chr3-125232855-T-C. GRCh37 (hg19) VCF-style: chr3-124951699-T-C.
Other names: c.1871A>G, p.Asn624Ser (NM_001348424.1, NM_001348425.2, NM_001348426.2 and 7 more transcripts); c.1745A>G, p.Asn582Ser (NM_001348434.2); short protein forms N582S, N624S.
Identifiers: ClinVar variation 1049434 (VCV001049434.3), dbSNP rs142424101, ClinGen allele CA2585202.